The following is an entry in ClinVar:

NC_000009.11:g.(?_6592123)_(6606689_?)del

Gene: GLDC (glycine decarboxylase; minus strand). Cytogenetic location: 9p24.1.
Variant type: Deletion.
Identifiers: ClinVar variation 3245159 (VCV003245159.1).

ClinVar aggregate classification (germline): Pathogenic (1 of 4 stars; one submission).

Conditions:
Glycine encephalopathy. Also called: Nonketotic hyperglycinemia; Non-ketotic hyperglycinemia. Identifiers: Orphanet 407, MedGen C0751748, MONDO:0011612, HP:0008288.

Submission:

Labcorp Genetics (formerly Invitae), Labcorp
Classification: Pathogenic for Glycine encephalopathy. Last evaluated: 2023-10-30. Review status: criteria provided, single submitter. Criteria: Invitae Variant Classification Sherloc (09022015). Collection method: clinical testing. Allele origin: unknown.
Comment: This variant is a gross deletion of the genomic region encompassing exon(s) 5-11 of the GLDC gene. This deletion is out-of-frame, and is expected to create a premature termination codon and result in an absent or disrupted protein product. Loss-of-function variants in GLDC are known to be pathogenic (PMID: 16601880). This variant has not been reported in the literature in individuals affected with GLDC-related conditions. For these reasons, this variant has been classified as Pathogenic.

Literature cited by the submitters: PubMed 16601880.